The following is an entry in ClinVar:

NM_000051.4(ATM):c.2281A>T (p.Thr761Ser)

Gene: ATM (ATM serine/threonine kinase; plus strand). Cytogenetic location: 11q22.3.
Variant type: single nucleotide variant.
Coding change: c.2281A>T on transcript NM_000051.4 (MANE Select); coding-DNA position 2281, A replaced by T.
Protein change: p.Thr761Ser; replaces threonine 761 with serine.
Molecular consequence: missense variant.
Genome position (GRCh38, 1-based): chr11:108,257,511, A>T. VCF-style: chr11-108257511-A-T. GRCh37 (hg19) VCF-style: chr11-108128238-A-T.
Other names: p.T761S:ACT>TCT; c.2281A>T, p.Thr761Ser (NM_001351834.2); short protein forms T761S.
Identifiers: ClinVar variation 135744 (VCV000135744.38), dbSNP rs2235011, ClinGen allele CA294031.

ClinVar aggregate classification (germline): Conflicting classifications of pathogenicity. Review status: criteria provided, conflicting classifications (1 of 4 stars). 12 submissions from 12 submitters: Uncertain significance (5); Likely benign (5). 2 of the submissions do not count toward it. Last evaluated 2026-01-31.

Conditions:
ATM-related disorder. Also called: ATM-related disorders; ATM-related condition.
Hereditary cancer-predisposing syndrome. Also called: Tumor predisposition; Hereditary neoplastic syndrome; Neoplastic Syndromes, Hereditary; Hereditary Cancer Syndrome. Identifiers: Orphanet 140162, MedGen C0027672, MeSH D009386, MONDO:0015356.
Familial cancer of breast. Also called: BREAST CANCER, FAMILIAL; Hereditary breast cancer; hereditary breast carcinoma. Identifiers: Orphanet 227535, MedGen C0346153, MONDO:0016419, OMIM 114480. Disease mechanism: loss of function.
Ataxia-telangiectasia syndrome (AT). Also called: ATAXIA-TELANGIECTASIA, COMPLEMENTATION GROUP A; ATAXIA-TELANGIECTASIA, FRESNO VARIANT; Ataxia-telangiectasia; LOUIS-BAR SYNDROME; Cerebello-oculocutaneous telangiectasia; Immunodeficiency with ataxia telangiectasia. Identifiers: Orphanet 100, MedGen C0004135, MONDO:0008840, OMIM 208900.

Allele frequency attached by ClinVar (database versions not stated): gnomAD exomes 0.00004; ExAC 0.00006; ESP Exome Variant Server 0.00015; gnomAD 0.00021 and 0.00022; TOPMed 0.00030.
gnomAD v4.1: 64 of 1,613,674 alleles (0.004%); highest among the groups gnomAD compares: African/African-American, 0.073%; no homozygotes.

Submissions (12):

Labcorp Genetics (formerly Invitae), Labcorp
Classification: Likely benign for Ataxia-telangiectasia syndrome. Last evaluated: 2026-01-31. Review status: criteria provided, single submitter. Criteria: Invitae Variant Classification Sherloc (09022015). Collection method: clinical testing. Allele origin: germline.

Mayo Clinic Laboratories, Mayo Clinic
Classification: Likely benign. Last evaluated: 2025-02-25. Review status: criteria provided, single submitter. Criteria: ACMG Guidelines, 2015. Collection method: clinical testing. Allele origin: germline. Observed: 1 variant allele.
Comment: BS1, BP4_moderate

Color Diagnostics, LLC DBA Color Health
Classification: Likely benign for Hereditary cancer-predisposing syndrome. Last evaluated: 2024-10-09. Review status: criteria provided, single submitter. Criteria: ACMG Guidelines, 2015. Collection method: clinical testing. Allele origin: germline.

GeneDx
Classification: Uncertain significance. Last evaluated: 2024-09-17. Review status: criteria provided, single submitter. Criteria: GeneDx Variant Classification Process June 2021. Collection method: clinical testing. Allele origin: germline. Affected: yes.
Comment: Observed in individuals with breast, thyroid, colorectal, prostate, and/or endometrial cancer (PMID: 20305132, 29684080, 31206626, 34250417, 35666082); In silico analysis indicates that this missense variant does not alter protein structure/function; This variant is associated with the following publications: (PMID: 22529920, 19781682, 11443540, 20305132, 29684080, 31206626, 17132159, 34250417, 35666082)

Quest Diagnostics Nichols Institute San Juan Capistrano
Classification: Uncertain significance. Last evaluated: 2024-08-26. Review status: criteria provided, single submitter. Criteria: Quest Diagnostics criteria. Collection method: clinical testing. Allele origin: unknown.

Women's Health and Genetics/Laboratory Corporation of America, LabCorp
Classification: Uncertain significance. Last evaluated: 2024-06-28. Review status: criteria provided, single submitter. Criteria: LabCorp Variant Classification Summary - May 2015. Collection method: clinical testing. Allele origin: germline.
Comment: Variant summary: ATM c.2281A>T (p.Thr761Ser) results in a conservative amino acid change in the encoded protein sequence. Five of five in-silico tools predict a benign effect of the variant on protein function. The variant allele was found at a frequency of 4.4e-05 in 251418 control chromosomes, predominantly at a frequency of 0.00062 within the African or African-American subpopulation in the gnomAD database. This frequency is not significantly higher than estimated for a pathogenic variant in ATM causing Breast Cancer (4.4e-05 vs 0.001), allowing no conclusion about variant significance. c.2281A>T has been reported in the literature in individuals affected with breast cancer and in individuals undertaking colorectal or prostate cancer panel testing, as well as in healthy controls (example, Giri_2022, Pearlman_2021, Einarsdottir_2005, Tavtigian_2009, Bernstein_2010, Weitzel_2019, Purrington_2020). These reports do not provide unequivocal conclusions about association of the variant with breast cancer or other ATM-related disorders. The following publications have been ascertained in the context of this evaluation (PMID: 20305132, 22529920, 17132159, 35666082, 34250417, 19781682, 11443540, 31206626, 32868316). To our knowledge, no experimental evidence demonstrating an impact on protein function has been reported. ClinVar contains an entry for this variant (Variation ID: 135744). Based on the evidence outlined above, the variant was classified as uncertain significance.

Myriad Genetics, Inc.
Classification: Likely benign for Familial cancer of breast. Last evaluated: 2024-05-08. Review status: criteria provided, single submitter. Criteria: Myriad Autosomal Dominant, Autosomal Recessive and X-Linked Classification Criteria (2023). Collection method: clinical testing. Allele origin: unknown.
Comment: This variant is considered likely benign. This variant is strongly associated with less severe personal and family histories of cancer, typical for individuals without pathogenic variants in this gene [PMID: 25085752].

Ambry Genetics
Classification: Likely benign for Hereditary cancer-predisposing syndrome. Last evaluated: 2024-01-23. Review status: criteria provided, single submitter. Criteria: Ambry Variant Classification Scheme 2023. Collection method: clinical testing. Allele origin: germline.

Mendelics
Classification: Uncertain significance. Last evaluated: 2022-05-04. Review status: criteria provided, single submitter. Criteria: Mendelics Assertion Criteria 2019. Collection method: clinical testing. Allele origin: germline.

Sema4
Classification: Uncertain significance for Hereditary cancer-predisposing syndrome. Last evaluated: 2021-11-19. Review status: criteria provided, single submitter. Criteria: Sema4 Curation Guidelines. Collection method: curation. Allele origin: germline.
Comment: The ATM c.2281A>T (p.T761S) variant has been reported in heterozygosity in at least one individual with breast cancer (PMID: 20305132). It was observed in 18/24968 chromosomes of the African/African American subpopulation, with no homozygotes, in the large and broad cohorts of the Genome Aggregation Database (PMID: 32461654). The variant has been reported in ClinVar (Variation ID 135744). In silico tools suggest the impact of the variant on protein function is benign, though these predictions have not been confirmed by functional studies. The evidence is insufficient to meet ACMG/AMP criteria for classifying the variant as benign or pathogenic. Thus, the clinical significance of this variant is currently uncertain.

PreventionGenetics, part of Exact Sciences
Classification: Uncertain significance for ATM-related condition. Last evaluated: 2024-02-15. Review status: no assertion criteria provided. Collection method: clinical testing. Allele origin: germline. Not counted in ClinVar's aggregate classification.
Comment: The ATM c.2281A>T variant is predicted to result in the amino acid substitution p.Thr761Ser. This variant has been reported in patients with breast cancer (Table S3, Weitzel et al. 2019. PubMed ID: 31206626) as well as in controls without cancer (Thorstenson et al. 2001. PubMed ID 11443540; Table S2, Tavtigian et al. 2009. PubMed ID: 19781682). This variant has also been reported in a study of patients with Cowden syndrome and Bannayan-Riley-Ruvalcaba syndrome patients without underlying germline PTEN mutations (Table S9, Yehia et al. 2018. PubMed ID: 29684080). This variant is reported in 0.072% of alleles in individuals of African descent in gnomAD and is has conflicting interpretations of likely benign and uncertain in ClinVar. At this time, the clinical significance of this variant is uncertain due to the absence of conclusive functional and genetic evidence.

Natera, Inc.
Classification: Uncertain significance for Ataxia-telangiectasia. Last evaluated: 2020-09-16. Review status: no assertion criteria provided. Collection method: clinical testing. Allele origin: germline. Not counted in ClinVar's aggregate classification.

Literature cited by the submitters: PubMed 11443540 (cited by Quest Diagnostics Nichols Institute San Juan Capistrano and Women's Health and Genetics/Laboratory Corporation of America, LabCorp); PubMed 19781682 (cited by 3 submitters); PubMed 20305132 (cited by 4 submitters); PubMed 22529920 (cited by Quest Diagnostics Nichols Institute San Juan Capistrano and Women's Health and Genetics/Laboratory Corporation of America, LabCorp); PubMed 17132159 (cited by 3 submitters); PubMed 35666082 (cited by Quest Diagnostics Nichols Institute San Juan Capistrano and Women's Health and Genetics/Laboratory Corporation of America, LabCorp); PubMed 34250417 (cited by Quest Diagnostics Nichols Institute San Juan Capistrano and Women's Health and Genetics/Laboratory Corporation of America, LabCorp); PubMed 31206626 (cited by 3 submitters); PubMed 29684080 (cited by Quest Diagnostics Nichols Institute San Juan Capistrano and Ambry Genetics); PubMed 38153744 (cited by Quest Diagnostics Nichols Institute San Juan Capistrano); PubMed 32868316 (cited by Women's Health and Genetics/Laboratory Corporation of America, LabCorp); PubMed 25085752 (cited by Myriad Genetics, Inc.).